The following is an entry in ClinVar:

ClinVar aggregate classification (germline): Uncertain significance (1 of 4 stars; one submission).

Conditions:
Hereditary cancer-predisposing syndrome. Also called: Tumor predisposition; Hereditary neoplastic syndrome; Hereditary Cancer Syndrome; Neoplastic Syndromes, Hereditary. Identifiers: Orphanet 140162, MedGen C0027672, MeSH D009386, MONDO:0015356.

gnomAD v4.1: 1 of 1,613,870 alleles (0.000062%); highest among the groups gnomAD compares: Non-Finnish European, 0.000085%; no homozygotes.

Submission:

Ambry Genetics
Classification: Uncertain significance for Hereditary cancer-predisposing syndrome. Last evaluated: 2025-05-17. Review status: criteria provided, single submitter. Criteria: Ambry Variant Classification Scheme 2023. Collection method: clinical testing. Allele origin: germline.
Comment: The p.D568A variant (also known as c.1703A>C), located in coding exon 11 of the PDGFRA gene, results from an A to C substitution at nucleotide position 1703. The aspartic acid at codon 568 is replaced by alanine, an amino acid with dissimilar properties. This amino acid position is conserved. In addition, this alteration is predicted to be deleterious by in silico analysis. Based on the available evidence, the clinical significance of this variant remains unclear.

NM_006206.6(PDGFRA):c.1703A>C (p.Asp568Ala)

Gene: PDGFRA (platelet derived growth factor receptor alpha; plus strand). Cytogenetic location: 4q12.
Variant type: single nucleotide variant.
Coding change: c.1703A>C on transcript NM_006206.6 (MANE Select); coding-DNA position 1703, A replaced by C.
Protein change: p.Asp568Ala; replaces aspartic acid 568 with alanine.
Molecular consequence: missense variant.
Genome position (GRCh38, 1-based): chr4:54,274,890, A>C. VCF-style: chr4-54274890-A-C. GRCh37 (hg19) VCF-style: chr4-55141057-A-C.
Other names: c.1703A>C, p.Asp568Ala (NM_001347827.2, NM_001347829.2); c.1778A>C, p.Asp593Ala (NM_001347828.2); c.1742A>C, p.Asp581Ala (NM_001347830.2); short protein forms D581A, D568A, D593A.
Identifiers: ClinVar variation 3930219 (VCV003930219.1).